The following is an entry in ClinVar:

NM_001177316.2(SLC34A3):c.1242C>A (p.Tyr414Ter)

Gene: SLC34A3 (solute carrier family 34 member 3; plus strand). Cytogenetic location: 9q34.3.
Variant type: single nucleotide variant.
Coding change: c.1242C>A on transcript NM_001177316.2 (MANE Select); coding-DNA position 1242, C replaced by A.
Protein change: p.Tyr414Ter; replaces tyrosine 414 with a stop codon.
Molecular consequence: nonsense.
Genome position (GRCh38, 1-based): chr9:137,234,638, C>A. VCF-style: chr9-137234638-C-A. GRCh37 (hg19) VCF-style: chr9-140129090-C-A.
Other names: c.1242C>A, p.Tyr414Ter (NM_001177317.2, NM_080877.3); short protein forms Y414*.
Identifiers: ClinVar variation 1179153 (VCV001179153.7), dbSNP rs949841477, ClinGen allele CA375737905.

ClinVar aggregate classification (germline): Pathogenic/Likely pathogenic. Review status: criteria provided, multiple submitters, no conflicts (2 of 4 stars). 2 submissions from 2 submitters: Pathogenic (1); Likely pathogenic (1). Last evaluated 2025-07-30.

Conditions:
Autosomal recessive hypophosphatemic bone disease (HHRH). Also called: Hypophosphatemic rickets with hypercalciuria; HYPERCALCIURIC RICKETS. Identifiers: Orphanet 157215, MedGen C1853271, MONDO:0009431, OMIM 241530.

Allele frequency attached by ClinVar (database versions not stated): gnomAD 0.00001; TOPMed 0.00001.

Submissions (2):

Labcorp Genetics (formerly Invitae), Labcorp
Classification: Pathogenic. Last evaluated: 2025-07-30. Review status: criteria provided, single submitter. Criteria: Invitae Variant Classification Sherloc (09022015). Collection method: clinical testing. Allele origin: germline.
Comment: This sequence change creates a premature translational stop signal (p.Tyr414*) in the SLC34A3 gene. It is expected to result in an absent or disrupted protein product. Loss-of-function variants in SLC34A3 are known to be pathogenic (PMID: 16358214, 16358215, 22159077). This variant is not present in population databases (gnomAD no frequency). This variant has not been reported in the literature in individuals affected with SLC34A3-related conditions. ClinVar contains an entry for this variant (Variation ID: 1179153). Algorithms developed to predict the effect of sequence changes on RNA splicing suggest that this variant may disrupt the consensus splice site. For these reasons, this variant has been classified as Pathogenic.

Fulgent Genetics
Classification: Likely pathogenic for Autosomal recessive hypophosphatemic bone disease. Last evaluated: 2021-07-23. Review status: criteria provided, single submitter. Criteria: ACMG Guidelines, 2015. Collection method: clinical testing. Allele origin: unknown.

Literature cited by the submitters: PubMed 16358214 (cited by Labcorp Genetics (formerly Invitae), Labcorp); PubMed 16358215 (cited by Labcorp Genetics (formerly Invitae), Labcorp); PubMed 22159077 (cited by Labcorp Genetics (formerly Invitae), Labcorp).